The following is an entry in ClinVar:

ClinVar aggregate classification (germline): Conflicting classifications of pathogenicity. Review status: criteria provided, conflicting classifications (1 of 4 stars). 3 submissions from 3 submitters: Uncertain significance (2); Likely benign (1). Last evaluated 2025-06-28.

Conditions:
Cardiovascular phenotype. Identifiers: MedGen CN230736.
ANKRD1-related dilated cardiomyopathy. Identifiers: MedGen CN119551.

Allele frequency attached by ClinVar (database versions not stated): gnomAD exomes below 0.00001; gnomAD 0.00001; TOPMed 0.00001.
gnomAD v4.1: 6 of 1,614,054 alleles (0.00037%); highest among the groups gnomAD compares: Non-Finnish European, 0.00051%; no homozygotes.

Submissions (3):

Ambry Genetics
Classification: Likely benign for Cardiovascular phenotype. Last evaluated: 2025-06-28. Review status: criteria provided, single submitter. Criteria: Ambry Variant Classification Scheme 2023. Collection method: clinical testing. Allele origin: germline.

Labcorp Genetics (formerly Invitae), Labcorp
Classification: Uncertain significance for ANKRD1-related dilated cardiomyopathy. Last evaluated: 2023-06-02. Review status: criteria provided, single submitter. Criteria: Invitae Variant Classification Sherloc (09022015). Collection method: clinical testing. Allele origin: germline.
Comment: This variant has not been reported in the literature in individuals affected with ANKRD1-related conditions. This variant is present in population databases (no rsID available, gnomAD 0.0009%). This sequence change replaces glutamic acid, which is acidic and polar, with aspartic acid, which is acidic and polar, at codon 19 of the ANKRD1 protein (p.Glu19Asp). ClinVar contains an entry for this variant (Variation ID: 1308001). In summary, the available evidence is currently insufficient to determine the role of this variant in disease. Therefore, it has been classified as a Variant of Uncertain Significance. Algorithms developed to predict the effect of missense changes on protein structure and function output the following: SIFT: "Not Available"; PolyPhen-2: "Benign"; Align-GVGD: "Not Available". The aspartic acid amino acid residue is found in multiple mammalian species, which suggests that this missense change does not adversely affect protein function.

GeneDx
Classification: Uncertain significance. Last evaluated: 2019-08-15. Review status: criteria provided, single submitter. Criteria: GeneDx Variant Classification Process June 2021. Collection method: clinical testing. Allele origin: germline. Affected: yes.
Comment: Has not been previously published as pathogenic or benign to our knowledge; Not observed at a significant frequency in large population cohorts (Lek et al., 2016); In silico analysis, which includes protein predictors and evolutionary conservation, supports that this variant does not alter protein structure/function

NM_014391.3(ANKRD1):c.57G>C (p.Glu19Asp)

Gene: ANKRD1 (ankyrin repeat domain 1; minus strand). Cytogenetic location: 10q23.31.
Variant type: single nucleotide variant.
Coding change: c.57G>C on transcript NM_014391.3 (MANE Select); coding-DNA position 57, G replaced by C.
Protein change: p.Glu19Asp; replaces glutamic acid 19 with aspartic acid.
Molecular consequence: missense variant.
Genome position (GRCh38, 1-based): chr10:90,920,319, C>G on the plus strand (G>C on the coding strand, the complement: ANKRD1 is on the minus strand). VCF-style: chr10-90920319-C-G. GRCh37 (hg19) VCF-style: chr10-92680076-C-G.
Other names: short protein forms E19D.
Identifiers: ClinVar variation 1308001 (VCV001308001.6), dbSNP rs1431425358, ClinGen allele CA377554121.